The following is an entry in ClinVar:

ClinVar aggregate classification (germline): Uncertain significance (1 of 4 stars; one submission).

Conditions:
STRC-related disorder. Also called: STRC-related condition.

Submission:

PreventionGenetics, part of Exact Sciences
Classification: Uncertain significance for STRC-related condition. Last evaluated: 2026-08-05. Review status: criteria provided, single submitter. Criteria: ACMG Guidelines, 2015. Collection method: clinical testing. Allele origin: germline.
Comment: The STRC c.770G>A variant is predicted to result in the amino acid substitution p.Arg257His. This variant has bee reported in heterozygous state in an individual with nonsyndromic hearing loss and was assessed as variant of uncertain significance (Figure 3, Francey et al. 2012. PubMed ID: 22147502). This variant is reported in 0.57% of alleles in individuals of Latino descent in gnomAD, although allele frequency estimates at this locus may be inaccurate due to paralogy. Although we suspect that this variant may be benign, at this time, the clinical significance of this variant is uncertain due to the absence of conclusive functional and genetic evidence.

NM_153700.2(STRC):c.770G>A (p.Arg257His)

Gene: STRC (stereocilin; minus strand). Cytogenetic location: 15q15.3.
Variant type: single nucleotide variant.
Coding change: c.770G>A on transcript NM_153700.2 (MANE Select); coding-DNA position 770, G replaced by A.
Protein change: p.Arg257His; replaces arginine 257 with histidine.
Molecular consequence: missense variant.
Genome position (GRCh38, 1-based): chr15:43,617,651, C>T on the plus strand (G>A on the coding strand, the complement: STRC is on the minus strand). VCF-style: chr15-43617651-C-T. GRCh37 (hg19) VCF-style: chr15-43909849-C-T.
Other names: short protein forms R257H.
Identifiers: ClinVar variation 4986390 (VCV004986390.1).